The following is an entry in ClinVar:

ClinVar aggregate classification (germline): Uncertain significance (1 of 4 stars; one submission).

Conditions:
Duchenne muscular dystrophy (DMD). Also called: MUSCULAR DYSTROPHY, PSEUDOHYPERTROPHIC PROGRESSIVE, DUCHENNE TYPE; Duchenne Muscular Dystrophy (DMD). Identifiers: Orphanet 98896, MedGen C0013264, MONDO:0010679, OMIM 310200.

Submission:

Labcorp Genetics (formerly Invitae), Labcorp
Classification: Uncertain significance for Duchenne muscular dystrophy. Last evaluated: 2024-11-06. Review status: criteria provided, single submitter. Criteria: Invitae Variant Classification Sherloc (09022015). Collection method: clinical testing. Allele origin: germline.
Comment: This sequence change replaces leucine, which is neutral and non-polar, with tryptophan, which is neutral and slightly polar, at codon 2643 of the DMD protein (p.Leu2643Trp). This variant is not present in population databases (gnomAD no frequency). This variant has not been reported in the literature in individuals affected with DMD-related conditions. ClinVar contains an entry for this variant (Variation ID: 2708329). Invitae Evidence Modeling of protein sequence and biophysical properties (such as structural, functional, and spatial information, amino acid conservation, physicochemical variation, residue mobility, and thermodynamic stability) indicates that this missense variant is not expected to disrupt DMD protein function with a negative predictive value of 95%. In summary, the available evidence is currently insufficient to determine the role of this variant in disease. Therefore, it has been classified as a Variant of Uncertain Significance.

NM_004006.3(DMD):c.7928T>G (p.Leu2643Trp)

Gene: DMD (dystrophin; minus strand). Cytogenetic location: Xp21.1.
Variant type: single nucleotide variant.
Coding change: c.7928T>G on transcript NM_004006.3 (MANE Select); coding-DNA position 7928, T replaced by G.
Protein change: p.Leu2643Trp; replaces leucine 2643 with tryptophan.
Molecular consequence: missense variant.
Genome position (GRCh38, 1-based): chrX:31,658,089, A>C on the plus strand (T>G on the coding strand, the complement: DMD is on the minus strand). VCF-style: chrX-31658089-A-C. GRCh37 (hg19) VCF-style: chrX-31676206-A-C.
Other names: c.7904T>G, p.Leu2635Trp (NM_000109.4); c.7916T>G, p.Leu2639Trp (NM_004009.3); c.7559T>G, p.Leu2520Trp (NM_004010.3); c.3905T>G, p.Leu1302Trp (NM_004011.4); c.3896T>G, p.Leu1299Trp (NM_004012.4); c.548T>G, p.Leu183Trp (NM_004013.3, NM_004020.4, NM_004021.3 and 2 more transcripts); short protein forms L183W, L2520W, L2639W, L2643W, L1299W, L1302W, L2635W.
Identifiers: ClinVar variation 2708329 (VCV002708329.3), dbSNP rs2528810664, ClinGen allele CA412655931.